The following is an entry in ClinVar:

NM_005051.3(QARS1):c.1468C>T (p.His490Tyr)

Gene: QARS1 (glutaminyl-tRNA synthetase 1; minus strand). Cytogenetic location: 3p21.31.
Variant type: single nucleotide variant.
Coding change: c.1468C>T on transcript NM_005051.3 (MANE Select); coding-DNA position 1468, C replaced by T.
Protein change: p.His490Tyr; replaces histidine 490 with tyrosine.
Molecular consequence: missense variant. On other transcripts: non-coding transcript variant (1).
Genome position (GRCh38, 1-based): chr3:49,099,568, G>A on the plus strand (C>T on the coding strand, the complement: QARS1 is on the minus strand). VCF-style: chr3-49099568-G-A. GRCh37 (hg19) VCF-style: chr3-49137001-G-A.
Other names: c.1435C>T, p.His479Tyr (NM_001272073.2); c.1468C>T (NM_005051.1); short protein forms H479Y, H490Y.
Identifiers: ClinVar variation 2507227 (VCV002507227.3), dbSNP rs765374604, ClinGen allele CA2391746.

ClinVar aggregate classification (germline): Uncertain significance. Review status: criteria provided, multiple submitters, no conflicts (2 of 4 stars). 2 submissions from 2 submitters: Uncertain significance (2). Last evaluated 2023-07-26.

Conditions:
Inborn genetic diseases. Identifiers: MedGen C0950123, MeSH D030342.

Allele frequency attached by ClinVar (database versions not stated): ExAC 0.00001; gnomAD exomes 0.00001.
gnomAD v4.1: 9 of 1,614,212 alleles (0.00056%); highest among the groups gnomAD compares: Admixed American, 0.0017%; no homozygotes.

Submissions (2):

Ambry Genetics
Classification: Uncertain significance for Inborn genetic diseases. Last evaluated: 2023-07-26. Review status: criteria provided, single submitter. Criteria: Ambry Variant Classification Scheme 2023. Collection method: clinical testing. Allele origin: germline.

GeneDx
Classification: Uncertain significance. Last evaluated: 2023-06-05. Review status: criteria provided, single submitter. Criteria: GeneDx Variant Classification Process June 2021. Collection method: clinical testing. Allele origin: germline. Affected: yes.
Comment: Not observed at significant frequency in large population cohorts (gnomAD); In silico analysis supports that this missense variant does not alter protein structure/function; Has not been previously published as pathogenic or benign to our knowledge